The following is an entry in ClinVar:

ClinVar aggregate classification (germline): Pathogenic/Likely pathogenic. Review status: criteria provided, multiple submitters, no conflicts (2 of 4 stars). 4 submissions from 4 submitters: Pathogenic (1); Likely pathogenic (2). 1 of the submissions does not count toward it. Last evaluated 2021-12-30.

Conditions:
Developmental and epileptic encephalopathy, 9 (DEE9). Also called: EPILEPSY, FEMALE-RESTRICTED, WITH MENTAL RETARDATION; Early infantile epileptic encephalopathy 9; JUBERG-HELLMAN SYNDROME; PCDH19-Related X-Linked Female-Limited Epilepsy with Mental Retardation. Identifiers: Orphanet 101039, Orphanet 2076, MedGen C1848137, MONDO:0010246, OMIM 300088. Disease mechanism: loss of function.

Submissions (4):

Labcorp Genetics (formerly Invitae), Labcorp
Classification: Pathogenic for Developmental and epileptic encephalopathy, 9. Last evaluated: 2021-12-30. Review status: criteria provided, single submitter. Criteria: Invitae Variant Classification Sherloc (09022015). Collection method: clinical testing. Allele origin: germline.
Comment: For these reasons, this variant has been classified as Pathogenic. Advanced modeling of protein sequence and biophysical properties (such as structural, functional, and spatial information, amino acid conservation, physicochemical variation, residue mobility, and thermodynamic stability) performed at Invitae indicates that this missense variant is expected to disrupt PCDH19 protein function. ClinVar contains an entry for this variant (Variation ID: 692247). This missense change has been observed in individual(s) with clinical features of developmental and epileptic encephalopathy (PMID: 30945278, 33262389). In at least one individual the variant was observed to be de novo. This variant is not present in population databases (gnomAD no frequency). This sequence change replaces aspartic acid, which is acidic and polar, with glutamic acid, which is acidic and polar, at codon 266 of the PCDH19 protein (p.Asp266Glu).

MVZ Martinsried, Medicover Genetics
Classification: Likely pathogenic for Developmental and epileptic encephalopathy, 9. Last evaluated: 2019-05-10. Review status: criteria provided, single submitter. Criteria: ACMG Guidelines, 2015. Collection method: clinical testing. Allele origin: de novo. Affected: yes.

Baylor Genetics
Classification: Likely pathogenic for Developmental and epileptic encephalopathy, 9. Last evaluated: 2019-03-01. Review status: criteria provided, single submitter. Criteria: ACMG Guidelines, 2015. Collection method: clinical testing. Allele origin: unknown. Affected: yes.
Comment: This variant was determined to be likely pathogenic according to ACMG Guidelines, 2015 [PMID:25741868].

Centre for Mendelian Genomics, University Medical Centre Ljubljana
Classification: Uncertain significance for Developmental and epileptic encephalopathy, 9. Last evaluated: 2019-04-01. Review status: flagged submission. Criteria: ACMG Guidelines, 2015. Collection method: clinical testing. Allele origin: unknown. Affected: yes. Not counted in ClinVar's aggregate classification.
Comment: This variant was classified as: Uncertain significance. The available evidence favors the pathogenic nature of this variant, however the currently available data is insufficient to conclusively support its pathogenic nature. Thus this variant is classified as Uncertain significance - favor pathogenic. The following ACMG criteria were applied in classifying this variant: PM2,PP3.
ClinVar note: Reason: Outlier claim with insufficient supporting evidence

Literature cited by the submitters: PubMed 30945278 (cited by Labcorp Genetics (formerly Invitae), Labcorp); PubMed 33262389 (cited by Labcorp Genetics (formerly Invitae), Labcorp).

NM_001184880.2(PCDH19):c.798C>G (p.Asp266Glu)

Gene: PCDH19 (protocadherin 19; minus strand). Cytogenetic location: Xq22.1.
Variant type: single nucleotide variant.
Coding change: c.798C>G on transcript NM_001184880.2 (MANE Select); coding-DNA position 798, C replaced by G.
Protein change: p.Asp266Glu; replaces aspartic acid 266 with glutamic acid.
Molecular consequence: missense variant.
Genome position (GRCh38, 1-based): chrX:100,407,800, G>C on the plus strand (C>G on the coding strand, the complement: PCDH19 is on the minus strand). VCF-style: chrX-100407800-G-C. GRCh37 (hg19) VCF-style: chrX-99662798-G-C.
Other names: c.798C>G, p.Asp266Glu (NM_001105243.2, NM_020766.3); short protein forms D266E.
Identifiers: ClinVar variation 692247 (VCV000692247.14), dbSNP rs369638371, ClinGen allele CA414008063.